The following is an entry in ClinVar:

ClinVar aggregate classification (germline): Uncertain significance (1 of 4 stars; one submission).

Submission:

Labcorp Genetics (formerly Invitae), Labcorp
Classification: Uncertain significance. Last evaluated: 2022-05-12. Review status: criteria provided, single submitter. Criteria: Invitae Variant Classification Sherloc (09022015). Collection method: clinical testing. Allele origin: germline.
Comment: In summary, the available evidence is currently insufficient to determine the role of this variant in disease. Therefore, it has been classified as a Variant of Uncertain Significance. Advanced modeling of protein sequence and biophysical properties (such as structural, functional, and spatial information, amino acid conservation, physicochemical variation, residue mobility, and thermodynamic stability) performed at Invitae indicates that this missense variant is not expected to disrupt COL11A1 protein function. This variant has not been reported in the literature in individuals affected with COL11A1-related conditions. This variant is not present in population databases (gnomAD no frequency). This sequence change replaces threonine, which is neutral and polar, with alanine, which is neutral and non-polar, at codon 358 of the COL11A1 protein (p.Thr358Ala).

NM_001854.4(COL11A1):c.1072A>G (p.Thr358Ala)

Gene: COL11A1 (collagen type XI alpha 1 chain; minus strand). Cytogenetic location: 1p21.1.
Variant type: single nucleotide variant.
Coding change: c.1072A>G on transcript NM_001854.4 (MANE Select); coding-DNA position 1072, A replaced by G.
Protein change: p.Thr358Ala; replaces threonine 358 with alanine.
Molecular consequence: missense variant. On other transcripts: non-coding transcript variant (1), intron variant (1).
Genome position (GRCh38, 1-based): chr1:103,022,915, T>C on the plus strand (A>G on the coding strand, the complement: COL11A1 is on the minus strand). VCF-style: chr1-103022915-T-C. GRCh37 (hg19) VCF-style: chr1-103488471-T-C.
Other names: c.955A>G, p.Thr319Ala (NM_001190709.2); c.1108A>G, p.Thr370Ala (NM_080629.3); c.898-1146A>G (NM_080630.4); short protein forms T370A, T319A, T358A.
Identifiers: ClinVar variation 1993480 (VCV001993480.4), dbSNP rs2525583217, ClinGen allele CA341154878.